The following is an entry in ClinVar:

NM_001080467.3(MYO5B):c.2596A>G (p.Thr866Ala)

Gene: MYO5B (myosin VB; minus strand). Cytogenetic location: 18q21.1.
Variant type: single nucleotide variant.
Coding change: c.2596A>G on transcript NM_001080467.3 (MANE Select); coding-DNA position 2596, A replaced by G.
Protein change: p.Thr866Ala; replaces threonine 866 with alanine.
Molecular consequence: missense variant.
Genome position (GRCh38, 1-based): chr18:49,902,809, T>C on the plus strand (A>G on the coding strand, the complement: MYO5B is on the minus strand). VCF-style: chr18-49902809-T-C. GRCh37 (hg19) VCF-style: chr18-47429179-T-C.
Other names: short protein forms T866A.
Identifiers: ClinVar variation 4979349 (VCV004979349.1).

ClinVar aggregate classification (germline): Uncertain significance (1 of 4 stars; one submission).

Conditions:
MYO5B-related disorder. Also called: MYO5B-related condition.

gnomAD v4.1: 34 of 1,601,092 alleles (0.0021%); highest among the groups gnomAD compares: Non-Finnish European, 0.0027%; no homozygotes.

Submission:

PreventionGenetics, part of Exact Sciences
Classification: Uncertain significance for MYO5B-related condition. Last evaluated: 2025-06-07. Review status: criteria provided, single submitter. Criteria: ACMG Guidelines, 2015. Collection method: clinical testing. Allele origin: germline.
Comment: The MYO5B c.2596A>G variant is predicted to result in the amino acid substitution p.Thr866Ala. To our knowledge, this variant has not been reported in the literature. This variant is reported in 0.0027% of alleles in individuals of European (Non-Finnish) descent in gnomAD. At this time, the clinical significance of this variant is uncertain due to the absence of conclusive functional and genetic evidence.